The following is an entry in ClinVar:

NM_177438.3(DICER1):c.2256+4A>G

Gene: DICER1 (dicer 1, ribonuclease III; minus strand). Cytogenetic location: 14q32.13.
Variant type: single nucleotide variant.
Coding change: c.2256+4A>G on transcript NM_177438.3 (MANE Select); 4 bases into the intron after coding-DNA position 2256, A replaced by G.
Molecular consequence: intron variant. On other transcripts: missense variant (1).
Genome position (GRCh38, 1-based): chr14:95,111,313, T>C on the plus strand (A>G on the coding strand, the complement: DICER1 is on the minus strand). VCF-style: chr14-95111313-T-C. GRCh37 (hg19) VCF-style: chr14-95577650-T-C.
Other names: c.2256+4A>G (NM_001395682.1, NM_001271282.3, NM_001195573.1 and 12 more transcripts); c.1851+4A>G (NM_001395696.1, NM_001395690.1, NM_001395687.1 and 2 more transcripts); c.1974+4A>G (NM_001395686.1); c.1689+4A>G (NM_001395691.1); c.573+4A>G (NM_001395697.1); c.1855A>G, p.Ser619Gly (NM_001395698.1); short protein forms S619G.
Identifiers: ClinVar variation 3701787 (VCV003701787.2).

ClinVar aggregate classification (germline): Uncertain significance (1 of 4 stars; one submission).

Conditions:
DICER1-related tumor predisposition. Also called: DICER1-related pleuropulmonary blastoma cancer predisposition syndrome; DICER1 syndrome. Identifiers: Orphanet 284343, MedGen C3839822, MONDO:0100216.

Submission:

Labcorp Genetics (formerly Invitae), Labcorp
Classification: Uncertain significance for DICER1-related tumor predisposition. Last evaluated: 2024-12-03. Review status: criteria provided, single submitter. Criteria: Invitae Variant Classification Sherloc (09022015). Collection method: clinical testing. Allele origin: germline.
Comment: This sequence change falls in intron 14 of the DICER1 gene. It does not directly change the encoded amino acid sequence of the DICER1 protein. It affects a nucleotide within the consensus splice site. This variant is not present in population databases (gnomAD no frequency). This variant has not been reported in the literature in individuals affected with DICER1-related conditions. Variants that disrupt the consensus splice site are a relatively common cause of aberrant splicing (PMID: 17576681, 9536098). Algorithms developed to predict the effect of sequence changes on RNA splicing suggest that this variant may disrupt the consensus splice site. In summary, the available evidence is currently insufficient to determine the role of this variant in disease. Therefore, it has been classified as a Variant of Uncertain Significance.

Literature cited by the submitters: PubMed 17576681; PubMed 9536098.